The following is an entry in ClinVar:

ClinVar aggregate classification (germline): Pathogenic (1 of 4 stars; one submission).

Conditions:
FGFR2-related craniosynostosis. Identifiers: MedGen CN231480.

Submission:

Labcorp Genetics (formerly Invitae), Labcorp
Classification: Pathogenic for FGFR2-related craniosynostosis. Last evaluated: 2022-05-16. Review status: criteria provided, single submitter. Criteria: Invitae Variant Classification Sherloc (09022015). Collection method: clinical testing. Allele origin: germline.
Comment: For these reasons, this variant has been classified as Pathogenic. This variant disrupts the p.Trp290 amino acid residue in FGFR2. Other variant(s) that disrupt this residue have been determined to be pathogenic (PMID: 9475591, 18618990, 24036790, 27683237). This suggests that this residue is clinically significant, and that variants that disrupt this residue are likely to be disease-causing. Experimental studies have shown that this missense change affects FGFR2 function (PMID: 20503384). Algorithms developed to predict the effect of missense changes on protein structure and function (SIFT, PolyPhen-2, Align-GVGD) all suggest that this variant is likely to be disruptive. This missense change has been observed in individuals with clinical features of Crouzon syndrome (PMID: 7655462, 16418739, 23431754, 24127277, 24656465; Invitae). This variant is not present in population databases (gnomAD no frequency). This sequence change replaces tryptophan, which is neutral and slightly polar, with arginine, which is basic and polar, at codon 290 of the FGFR2 protein (p.Trp290Arg).

Literature cited by the submitters: PubMed 9475591; PubMed 18618990; PubMed 24036790; PubMed 27683237; PubMed 20503384; PubMed 7655462; PubMed 16418739; PubMed 23431754; PubMed 24127277; PubMed 24656465.

NM_000141.5(FGFR2):c.868T>A (p.Trp290Arg)

Gene: FGFR2 (fibroblast growth factor receptor 2; minus strand). Cytogenetic location: 10q26.13.
Variant type: single nucleotide variant.
Coding change: c.868T>A on transcript NM_000141.5 (MANE Select); coding-DNA position 868, T replaced by A.
Protein change: p.Trp290Arg; replaces tryptophan 290 with arginine.
Molecular consequence: missense variant. On other transcripts: non-coding transcript variant (1), intron variant (1).
Genome position (GRCh38, 1-based): chr10:121,520,050, A>T on the plus strand (T>A on the coding strand, the complement: FGFR2 is on the minus strand). VCF-style: chr10-121520050-A-T. GRCh37 (hg19) VCF-style: chr10-123279564-A-T.
Other names: c.868T>A, p.Trp290Arg (NM_001144913.1, NM_001144917.2, NM_001320658.2 and 1 more transcripts); c.601T>A, p.Trp201Arg (NM_001144915.2, NM_001144919.2, NM_023029.3); c.523T>A, p.Trp175Arg (NM_001144916.2, NM_001144918.2); c.184T>A, p.Trp62Arg (NM_001320654.2); c.749-4731T>A (NM_001144914.1); short protein forms W175R, W62R, W201R, W290R.
Identifiers: ClinVar variation 1995111 (VCV001995111.4), dbSNP rs121918501, ClinGen allele CA378330675.
Genomic context (GRCh38, chr10:121,520,050, plus strand): 5'-TGAGGTAGGGCAGCCCGTCGGGCCCGTATTTACTGCCGTTCTTTTCCACGTGCTTGATCC[A>T]CTGGATGTGGGGCTGGGCATCACTGTAAACCTTGCAGACAAACTCTACGTCTCCTCCGAC-3'
Protein context (NP_000132.3, residues 280-300): VYSDAQPHIQ[Trp290Arg]IKHVEKNGSK